The following is an entry in ClinVar:

NM_000234.3(LIG1):c.17+98T>C

Gene: LIG1 (DNA ligase 1; minus strand). Cytogenetic location: 19q13.33.
Variant type: single nucleotide variant.
Coding change: c.17+98T>C on transcript NM_000234.3 (MANE Select); 98 bases into the intron after coding-DNA position 17, T replaced by C.
Molecular consequence: intron variant.
Genome position (GRCh38, 1-based): chr19:48,165,452, A>G on the plus strand (T>C on the coding strand, the complement: LIG1 is on the minus strand). VCF-style: chr19-48165452-A-G. GRCh37 (hg19) VCF-style: chr19-48668709-A-G.
Other names: c.17+98T>C (NM_001289063.2, NM_001320971.2, NM_001289064.2 and 1 more transcripts).
Identifiers: ClinVar variation 2628139 (VCV002628139.2), dbSNP rs3730850, ClinGen allele CA14691325.
Genomic context (GRCh38, chr19:48,165,452, plus strand): 5'-CACGGCTCATTTTCCATACTACTTGACTCCTGGAAATTCCAACTCAAAATCTAACGTAAG[A>G]GTTTTTGTTTGTTTGTTTGTTTTTTTAAGTACAGATTTAGAGAAAGAAACAGAGGACTTG-3'

ClinVar aggregate classification (germline): Benign (1 of 4 stars; one submission).

Allele frequency attached by ClinVar (database versions not stated): gnomAD exomes 0.49572; gnomAD 0.53126; TOPMed 0.53724; 1000 Genomes Project 30x 0.55528; 1000 Genomes Project 0.56010.
gnomAD v4.1: 493,190 of 982,352 alleles (50%); highest among the groups gnomAD compares: East Asian, 65%; 125,888 homozygotes.

Submission:

Unidad de Genómica Garrahan, Hospital de Pediatría Garrahan
Classification: Benign. Last evaluated: 2023-11-12. Review status: criteria provided, single submitter. Criteria: ACMG Guidelines, 2015. Collection method: clinical testing. Allele origin: germline. Affected: no. Observed: 61 variant alleles.
Comment: This variant is classified as Benign based on local population frequency. This variant was detected in 64% of patients studied by a panel of primary immunodeficiencies. Number of patients: 61. Only high quality variants are reported.